The following is an entry in ClinVar:

ClinVar aggregate classification (germline): Uncertain significance (1 of 4 stars; one submission).

Allele frequency attached by ClinVar (database versions not stated): TOPMed below 0.00001; ExAC 0.00001; gnomAD 0.00001; gnomAD exomes 0.00002.
gnomAD v4.1: 33 of 1,613,278 alleles (0.002%); highest among the groups gnomAD compares: Non-Finnish European, 0.0021%; no homozygotes.

Submission:

Labcorp Genetics (formerly Invitae), Labcorp
Classification: Uncertain significance. Last evaluated: 2022-10-12. Review status: criteria provided, single submitter. Criteria: Invitae Variant Classification Sherloc (09022015). Collection method: clinical testing. Allele origin: germline.
Comment: This variant is present in population databases (rs764636968, gnomAD 0.003%). This sequence change replaces arginine, which is basic and polar, with histidine, which is basic and polar, at codon 655 of the SRRM2 protein (p.Arg655His). This variant has not been reported in the literature in individuals affected with SRRM2-related conditions. In summary, the available evidence is currently insufficient to determine the role of this variant in disease. Therefore, it has been classified as a Variant of Uncertain Significance. Algorithms developed to predict the effect of missense changes on protein structure and function are either unavailable or do not agree on the potential impact of this missense change (SIFT: "Deleterious"; PolyPhen-2: "Not Available"; Align-GVGD: "Class C25").

NM_016333.4(SRRM2):c.1964G>A (p.Arg655His)

Gene: SRRM2 (serine/arginine repetitive matrix 2; plus strand). Cytogenetic location: 16p13.3.
Variant type: single nucleotide variant.
Coding change: c.1964G>A on transcript NM_016333.4 (MANE Select); coding-DNA position 1964, G replaced by A.
Protein change: p.Arg655His; replaces arginine 655 with histidine.
Molecular consequence: missense variant.
Genome position (GRCh38, 1-based): chr16:2,762,492, G>A. VCF-style: chr16-2762492-G-A. GRCh37 (hg19) VCF-style: chr16-2812493-G-A.
Other names: short protein forms R655H.
Identifiers: ClinVar variation 2123709 (VCV002123709.4), dbSNP rs764636968, ClinGen allele CA7847436.